The following is an entry in ClinVar:

NM_003239.5(TGFB3):c.106A>T (p.Lys36Ter)

Gene: TGFB3 (transforming growth factor beta 3; minus strand). Cytogenetic location: 14q24.3.
Variant type: single nucleotide variant.
Coding change: c.106A>T on transcript NM_003239.5 (MANE Select); coding-DNA position 106, A replaced by T.
Protein change: p.Lys36Ter; replaces lysine 36 with a stop codon.
Molecular consequence: nonsense.
Genome position (GRCh38, 1-based): chr14:75,980,788, T>A on the plus strand (A>T on the coding strand, the complement: TGFB3 is on the minus strand). VCF-style: chr14-75980788-T-A. GRCh37 (hg19) VCF-style: chr14-76447131-T-A.
Other names: c.106A>T, p.Lys36Ter (NM_001329938.2, NM_001329939.2); short protein forms K36*.
Identifiers: ClinVar variation 489086 (VCV000489086.2), dbSNP rs1555361451, ClinGen allele CA390471648.

ClinVar aggregate classification (germline): Pathogenic (1 of 4 stars; one submission).

Submission:

GeneDx
Classification: Pathogenic. Last evaluated: 2017-11-17. Review status: criteria provided, single submitter. Criteria: GeneDx Variant Classification (06012015). Collection method: clinical testing. Allele origin: germline. Affected: yes.
Comment: The K36X pathogenic variant in the TGFB3 gene has not been reported as a pathogenic or benign to our knowledge. This variant is predicted to cause loss of normal protein function either by protein truncation or nonsense-mediated mRNA decay. Other loss of function variants in the TGFB3 gene have been reported in Human Gene Mutation Database in association with TGFB3-related disorders (Stenson et al., 2014). Furthermore, the K36X variant is not observed in large population cohorts (Lek et al., 2016).